The following is an entry in ClinVar:

NM_031308.4(EPPK1):c.3243C>T (p.Ser1081=)

Gene: EPPK1 (epiplakin 1; minus strand). Cytogenetic location: 8q24.3.
Variant type: single nucleotide variant.
Coding change: c.3243C>T on transcript NM_031308.4 (MANE Select); coding-DNA position 3243, C replaced by T.
Protein change: p.Ser1081=; no amino-acid change (serine 1081 retained).
Molecular consequence: synonymous variant.
Genome position (GRCh38, 1-based): chr8:143,870,011, G>A on the plus strand (C>T on the coding strand, the complement: EPPK1 is on the minus strand). VCF-style: chr8-143870011-G-A. GRCh37 (hg19) VCF-style: chr8-144944179-G-A.
Identifiers: ClinVar variation 3047332 (VCV003047332.2), dbSNP rs782522109, ClinGen allele CA4922830.

ClinVar aggregate classification (germline): Likely benign (0 of 4 stars; one submission).

Conditions:
EPPK1-related disorder. Also called: EPPK1-related condition.

Allele frequency attached by ClinVar (database versions not stated): gnomAD exomes 0.00001; TOPMed 0.00001; ExAC 0.00003; gnomAD 0.00003.
gnomAD v4.1: 27 of 1,609,936 alleles (0.0017%); highest among the groups gnomAD compares: Admixed American, 0.017%; no homozygotes.

Submission:

PreventionGenetics, part of Exact Sciences
Classification: Likely benign for EPPK1-related condition. Last evaluated: 2021-08-23. Review status: no assertion criteria provided. Collection method: clinical testing. Allele origin: germline.
Comment: This variant is classified as likely benign based on ACMG/AMP sequence variant interpretation guidelines (Richards et al. 2015 PMID: 25741868, with internal and published modifications).